The following is an entry in ClinVar:

ClinVar aggregate classification (germline): Uncertain significance (1 of 4 stars; one submission).

Conditions:
Neuropathy, hereditary sensory, type 2C. Also called: KIF1A-Related HSAN2 (HSAN2C); Hereditary sensory and autonomic neuropathy type IIC. Identifiers: Orphanet 970, MedGen C3280168, MONDO:0013634, OMIM 614213.
Hereditary spastic paraplegia 30. Identifiers: Orphanet 101010, MedGen C5235139, MONDO:0012476.
Intellectual disability, autosomal dominant 9 (NESCAVS). Also called: KIF1A-Related Neurodevelopmental Disorder; NESCAV SYNDROME. Identifiers: Orphanet 662367, MedGen C5393830, MONDO:0013656, OMIM 614255.

Submission:

Labcorp Genetics (formerly Invitae), Labcorp
Classification: Uncertain significance for Hereditary spastic paraplegia 30; Neuropathy, hereditary sensory, type 2C; Intellectual disability, autosomal dominant 9. Last evaluated: 2024-05-27. Review status: criteria provided, single submitter. Criteria: Invitae Variant Classification Sherloc (09022015). Collection method: clinical testing. Allele origin: germline.
Comment: This sequence change replaces arginine, which is basic and polar, with tryptophan, which is neutral and slightly polar, at codon 1600 of the KIF1A protein (p.Arg1600Trp). This variant is not present in population databases (gnomAD no frequency). This variant has not been reported in the literature in individuals affected with KIF1A-related conditions. Advanced modeling of protein sequence and biophysical properties (such as structural, functional, and spatial information, amino acid conservation, physicochemical variation, residue mobility, and thermodynamic stability) performed at Invitae indicates that this missense variant is not expected to disrupt KIF1A protein function with a negative predictive value of 95%. In summary, the available evidence is currently insufficient to determine the role of this variant in disease. Therefore, it has been classified as a Variant of Uncertain Significance.

NM_001244008.2(KIF1A):c.5101C>T (p.Arg1701Trp)

Gene: KIF1A (kinesin family member 1A; minus strand). Cytogenetic location: 2q37.3.
Variant type: single nucleotide variant.
Coding change: c.5101C>T on transcript NM_001244008.2 (MANE Select); coding-DNA position 5101, C replaced by T.
Protein change: p.Arg1701Trp; replaces arginine 1701 with tryptophan.
Molecular consequence: missense variant.
Genome position (GRCh38, 1-based): chr2:240,719,119, G>A on the plus strand (C>T on the coding strand, the complement: KIF1A is on the minus strand). VCF-style: chr2-240719119-G-A. GRCh37 (hg19) VCF-style: chr2-241658536-G-A.
Other names: c.4825C>T, p.Arg1609Trp (NM_001320705.2, NM_001379649.1); c.4852C>T, p.Arg1618Trp (NM_001330289.2); c.4900C>T, p.Arg1634Trp (NM_001330290.2, NM_001379648.1); c.5176C>T, p.Arg1726Trp (NM_001379631.1); c.5077C>T, p.Arg1693Trp (NM_001379632.1); c.5074C>T, p.Arg1692Trp (NM_001379633.1, NM_001379645.1); c.4927C>T, p.Arg1643Trp (NM_001379634.1); c.4924C>T, p.Arg1642Trp (NM_001379635.1, NM_001379646.1); and 7 more; short protein forms R1643W, R1692W, R1693W, R1701W, R1726W, R1599W, R1600W, R1608W.
Identifiers: ClinVar variation 3753915 (VCV003753915.2).
Genomic context (GRCh38, chr2:240,719,119, plus strand): 5'-TGAGCACGAACCGCTCCACGGTGTCCTTGTCGCTGTTGTACATGTAGGCATAGGGGCGCC[G>A]CACCACCACGAAGCGCCTGGCCCAGCCTGACGTGTGCGGCTCCAGGAAGTGCAGGTACCC-3'
Protein context (NP_001230937.1, residues 1691-1711): SGWARRFVVV[Arg1701Trp]RPYAYMYNSD